The following is an entry in ClinVar:

ClinVar aggregate classification (germline): Uncertain significance. Review status: criteria provided, multiple submitters, no conflicts (2 of 4 stars). 3 submissions from 3 submitters: Uncertain significance (2). 1 of the submissions does not count toward it. Last evaluated 2025-11-10.

Conditions:
Enhanced S-cone syndrome (ESCS). Identifiers: Orphanet 53540, MedGen C1849394, MONDO:0100288, MONDO:0009989.
ENHANCED S-CONE SYNDROME 1 (ESCS1). Also called: RETINOSCHISIS WITH EARLY HEMERALOPIA; FAVRE HYALOIDEORETINAL DEGENERATION. Identifiers: MedGen CN380299, OMIM 268100.

Allele frequency attached by ClinVar (database versions not stated): gnomAD exomes below 0.00001 and 0.00001; TOPMed below 0.00001; gnomAD 0.00001.
gnomAD v4.1: 6 of 1,576,752 alleles (0.00038%); highest among the groups gnomAD compares: South Asian, 0.007%; no homozygotes.

Submissions (3):

Myriad Genetics, Inc.
Classification: Uncertain significance for ENHANCED S-CONE SYNDROME 1. Last evaluated: 2025-11-10. Review status: criteria provided, single submitter. Criteria: Myriad Autosomal Dominant, Autosomal Recessive and X-Linked Classification Criteria (2023). Collection method: clinical testing. Allele origin: unknown.
Comment: NM_014249.2(NR2E3):c.37G>T(V13L) is a missense variant classified as a variant of uncertain significance in the context of enhanced S-cone syndrome. V13L has not been observed in cases with relevant disease. Relevant functional assessments of this variant are not available in the literature. V13L has been observed in referenced population frequency databases. In summary, there is insufficient evidence to classify NM_014249.2(NR2E3):c.37G>T(V13L) as pathogenic or benign. Please note: this variant was assessed in the context of healthy population screening.

Labcorp Genetics (formerly Invitae), Labcorp
Classification: Uncertain significance. Last evaluated: 2022-03-03. Review status: criteria provided, single submitter. Criteria: Invitae Variant Classification Sherloc (09022015). Collection method: clinical testing. Allele origin: germline.
Comment: This sequence change replaces valine, which is neutral and non-polar, with leucine, which is neutral and non-polar, at codon 13 of the NR2E3 protein (p.Val13Leu). The frequency data for this variant in the population databases is considered unreliable, as metrics indicate poor data quality at this position in the gnomAD database. This variant has not been reported in the literature in individuals affected with NR2E3-related conditions. ClinVar contains an entry for this variant (Variation ID: 1036822). Experimental studies and prediction algorithms are not available or were not evaluated, and the functional significance of this variant is currently unknown. In summary, the available evidence is currently insufficient to determine the role of this variant in disease. Therefore, it has been classified as a Variant of Uncertain Significance.

Natera, Inc.
Classification: Uncertain significance for Enhanced S cone syndrome. Last evaluated: 2020-08-29. Review status: no assertion criteria provided. Collection method: clinical testing. Allele origin: germline. Not counted in ClinVar's aggregate classification.

NM_014249.4(NR2E3):c.37G>T (p.Val13Leu)

Gene: NR2E3 (nuclear receptor subfamily 2 group E member 3; plus strand). Cytogenetic location: 15q23.
Variant type: single nucleotide variant.
Coding change: c.37G>T on transcript NM_014249.4 (MANE Select); coding-DNA position 37, G replaced by T.
Protein change: p.Val13Leu; replaces valine 13 with leucine.
Molecular consequence: missense variant.
Genome position (GRCh38, 1-based): chr15:71,810,780, G>T. VCF-style: chr15-71810780-G-T. GRCh37 (hg19) VCF-style: chr15-72103120-G-T.
Other names: c.37G>T, p.Val13Leu (NM_016346.4); short protein forms V13L.
Identifiers: ClinVar variation 1036822 (VCV001036822.4), dbSNP rs1367552026, ClinGen allele CA393031489.